The following is an entry in ClinVar:

NM_001165963.4(SCN1A):c.777C>G (p.Ser259Arg)

Gene: SCN1A (sodium voltage-gated channel alpha subunit 1; minus strand). Cytogenetic location: 2q24.3.
Variant type: single nucleotide variant.
Coding change: c.777C>G on transcript NM_001165963.4 (MANE Select); coding-DNA position 777, C replaced by G.
Protein change: p.Ser259Arg; replaces serine 259 with arginine.
Molecular consequence: missense variant. On other transcripts: 5 prime UTR variant (1), non-coding transcript variant (1).
Genome position (GRCh38, 1-based): chr2:166,051,906, G>C on the plus strand (C>G on the coding strand, the complement: SCN1A is on the minus strand). VCF-style: chr2-166051906-G-C. GRCh37 (hg19) VCF-style: chr2-166908416-G-C.
Other names: c.777C>G, p.Ser259Arg (NM_001165964.3, NM_001202435.3, NM_001353948.2 and 10 more transcripts); c.-1649C>G (NM_001353961.2); short protein forms S259R.
Identifiers: ClinVar variation 3067163 (VCV003067163.2), dbSNP rs121918735, ClinGen allele CA349073448.

Conditions:
Severe myoclonic epilepsy in infancy (DRVT). Also called: Epileptic encephalopathy, early infantile, 6 (Dravet syndrome); Dravet syndrome; SEVERE MYOCLONIC EPILEPSY OF INFANCY; DEVELOPMENTAL AND EPILEPTIC ENCEPHALOPATHY 6A; Severe Myoclonic Epilepsy in Infancy (SMEI). Identifiers: Orphanet 33069, MedGen C0751122, MONDO:0100135, OMIM 607208.

Submission:

Channelopathy-Associated Epilepsy Research Center
No classification provided (evidence only). Condition: Severe myoclonic epilepsy in infancy. Review status: no classification provided. Collection method: literature only. Allele origin: not applicable. Functional consequence: Absence of peak current.
ClinVar note: "not provided" was previously submitted as the classification for the variant. However, the classification appeared to be based only on an observation of functional data so it was converted to no classification on 2025-07-30.

Literature cited by the submitters: PubMed 30735520.